The following is an entry in ClinVar:

NM_020529.3(NFKBIA):c.805C>G (p.Leu269Val)

Gene: NFKBIA (NFKB inhibitor alpha; minus strand). Cytogenetic location: 14q13.2.
Variant type: single nucleotide variant.
Coding change: c.805C>G on transcript NM_020529.3 (MANE Select); coding-DNA position 805, C replaced by G.
Protein change: p.Leu269Val; replaces leucine 269 with valine.
Molecular consequence: missense variant.
Genome position (GRCh38, 1-based): chr14:35,402,495, G>C on the plus strand (C>G on the coding strand, the complement: NFKBIA is on the minus strand). VCF-style: chr14-35402495-G-C. GRCh37 (hg19) VCF-style: chr14-35871701-G-C.
Other names: short protein forms L269V.
Identifiers: ClinVar variation 4771078 (VCV004771078.1).

ClinVar aggregate classification (germline): Uncertain significance (1 of 4 stars; one submission).

Conditions:
Ectodermal dysplasia and immunodeficiency 2. Identifiers: Orphanet 238468, Orphanet 98813, MedGen C2677481, MONDO:0012806, OMIM 612132.

gnomAD v4.1: 1 of 1,614,214 alleles (0.000062%); highest among the groups gnomAD compares: Non-Finnish European, 0.000085%; no homozygotes.

Submission:

Labcorp Genetics (formerly Invitae), Labcorp
Classification: Uncertain significance for Ectodermal dysplasia and immunodeficiency 2. Last evaluated: 2025-09-01. Review status: criteria provided, single submitter. Criteria: Invitae Variant Classification Sherloc (09022015). Collection method: clinical testing. Allele origin: germline.
Comment: This sequence change replaces leucine, which is neutral and non-polar, with valine, which is neutral and non-polar, at codon 269 of the NFKBIA protein (p.Leu269Val). This variant is not present in population databases (gnomAD no frequency). This variant has not been reported in the literature in individuals affected with NFKBIA-related conditions. An algorithm developed to predict the effect of missense changes on protein structure and function (PolyPhen-2) suggests that this variant is likely to be disruptive. In summary, the available evidence is currently insufficient to determine the role of this variant in disease. Therefore, it has been classified as a Variant of Uncertain Significance.